The following is an entry in ClinVar:

NM_001017915.3(INPP5D):c.373G>A (p.Glu125Lys)

Gene: INPP5D (inositol polyphosphate-5-phosphatase D; plus strand). Cytogenetic location: 2q37.1.
Variant type: single nucleotide variant.
Coding change: c.373G>A on transcript NM_001017915.3 (MANE Select); coding-DNA position 373, G replaced by A.
Protein change: p.Glu125Lys; replaces glutamic acid 125 with lysine.
Molecular consequence: missense variant.
Genome position (GRCh38, 1-based): chr2:233,125,768, G>A. VCF-style: chr2-233125768-G-A. GRCh37 (hg19) VCF-style: chr2-233990478-G-A.
Other names: c.370G>A, p.Glu124Lys (NM_005541.5); short protein forms E124K, E125K.
Identifiers: ClinVar variation 3109834 (VCV003109834.1), dbSNP rs777393014, ClinGen allele CA2172478.
Genomic context (GRCh38, chr2:233,125,768, plus strand): 5'-GTGTCCTCACCAATGGCCTTCCTGCTGTTCTCTCCAGTAGAAAGTGTCGTGTCTCCACCC[G>A]AGCTGCCCCCAAGAAACATCCCGCTGACTGCCAGCTCCTGTGAGGCCAAGGAGGTTCCTT-3'
Protein context (NP_001017915.1, residues 115-135): DTVESVVSPP[Glu125Lys]LPPRNIPLTA

ClinVar aggregate classification (germline): Uncertain significance (1 of 4 stars; one submission).

Allele frequency attached by ClinVar (database versions not stated): ExAC 0.00001; gnomAD 0.00007; TOPMed 0.00014.
gnomAD v4.1: 27 of 1,613,508 alleles (0.0017%); highest among the groups gnomAD compares: Admixed American, 0.023%; no homozygotes.

Submission:

Ambry Genetics
Classification: Uncertain significance. Last evaluated: 2023-12-12. Review status: criteria provided, single submitter. Criteria: Ambry Variant Classification Scheme 2023. Collection method: clinical testing. Allele origin: germline.
Comment: The c.373G>A (p.E125K) alteration is located in exon (coding exon ) of the INPP5D gene. This alteration results from a G to A substitution at nucleotide position 373, causing the glutamic acid (E) at amino acid position 125 to be replaced by a lysine (K). Based on insufficient or conflicting evidence, the clinical significance of this alteration remains unclear.